The following is an entry in ClinVar:

NM_001142800.2(EYS):c.4955C>A (p.Ser1652Ter)

Gene: EYS (EGF-like photoreceptor maintenance factor; minus strand). Cytogenetic location: 6q12.
Variant type: single nucleotide variant.
Coding change: c.4955C>A on transcript NM_001142800.2 (MANE Select); coding-DNA position 4955, C replaced by A.
Protein change: p.Ser1652Ter; replaces serine 1652 with a stop codon.
Molecular consequence: nonsense.
Genome position (GRCh38, 1-based): chr6:64,590,912, G>T on the plus strand (C>A on the coding strand, the complement: EYS is on the minus strand). VCF-style: chr6-64590912-G-T. GRCh37 (hg19) VCF-style: chr6-65300805-G-T.
Other names: c.4955C>A, p.Ser1652Ter (NM_001292009.2); short protein forms S1652*.
Identifiers: ClinVar variation 952148 (VCV000952148.13), dbSNP rs909730457, ClinGen allele CA364782176.

ClinVar aggregate classification (germline): Pathogenic. Review status: criteria provided, multiple submitters, no conflicts (2 of 4 stars). 4 submissions from 4 submitters: Pathogenic (2). 2 of the submissions do not count toward it. Last evaluated 2024-12-16.

Conditions:
Retinitis pigmentosa 25 (RP25). Identifiers: Orphanet 791, MedGen C1864446, MONDO:0011272, OMIM 602772.
EYS-related disorder. Also called: EYS-related condition.

Submissions (4):

Labcorp Genetics (formerly Invitae), Labcorp
Classification: Pathogenic. Last evaluated: 2024-12-16. Review status: criteria provided, single submitter. Criteria: Invitae Variant Classification Sherloc (09022015). Collection method: clinical testing. Allele origin: germline.
Comment: This sequence change creates a premature translational stop signal (p.Ser1652*) in the EYS gene. It is expected to result in an absent or disrupted protein product. Loss-of-function variants in EYS are known to be pathogenic (PMID: 18836446, 20333770). This variant is not present in population databases (gnomAD no frequency). This premature translational stop signal has been observed in individuals with retinitis pigmentosa (PMID: 28559085, 29159838, 31074760). ClinVar contains an entry for this variant (Variation ID: 952148). For these reasons, this variant has been classified as Pathogenic.

Baylor Genetics
Classification: Pathogenic for Retinitis pigmentosa 25. Last evaluated: 2022-08-17. Review status: criteria provided, single submitter. Criteria: ACMG Guidelines, 2015. Collection method: clinical testing. Allele origin: unknown.

PreventionGenetics, part of Exact Sciences
Classification: Pathogenic for EYS-related condition. Last evaluated: 2023-11-27. Review status: no assertion criteria provided. Collection method: clinical testing. Allele origin: germline. Not counted in ClinVar's aggregate classification.
Comment: The EYS c.4955C>A variant is predicted to result in premature protein termination (p.Ser1652*). This variant was reported in individuals with retinitis pigmentosa (Table S1, Stone et al. 2017. PubMed ID: 28559085; Dan et al. 2020. PubMed ID: 31960602). This variant has not been reported in a large population database, indicating this variant is rare. Nonsense variants in EYS are expected to be pathogenic. This variant is interpreted as pathogenic.

Natera, Inc.
Classification: Pathogenic for Retinitis pigmentosa type 25. Last evaluated: 2020-12-29. Review status: no assertion criteria provided. Collection method: clinical testing. Allele origin: germline. Not counted in ClinVar's aggregate classification.

Literature cited by the submitters: PubMed 18836446 (cited by Labcorp Genetics (formerly Invitae), Labcorp); PubMed 20333770 (cited by Labcorp Genetics (formerly Invitae), Labcorp); PubMed 28559085 (cited by Labcorp Genetics (formerly Invitae), Labcorp); PubMed 29159838 (cited by Labcorp Genetics (formerly Invitae), Labcorp); PubMed 31074760 (cited by Labcorp Genetics (formerly Invitae), Labcorp).